The following is an entry in ClinVar:

ClinVar aggregate classification (germline): Uncertain significance (1 of 4 stars; one submission).

gnomAD v4.1: 7 of 1,614,112 alleles (0.00043%); highest among the groups gnomAD compares: Middle Eastern, 0.016%; no homozygotes.

Submission:

Women's Health and Genetics/Laboratory Corporation of America, LabCorp
Classification: Uncertain significance. Last evaluated: 2024-07-12. Review status: criteria provided, single submitter. Criteria: LabCorp Variant Classification Summary - May 2015. Collection method: clinical testing. Allele origin: germline.
Comment: Variant summary: ABCC8 c.802G>A (p.Glu268Lys) results in a conservative amino acid change in the encoded protein sequence. Five of five in-silico tools predict a benign effect of the variant on protein function. The variant allele was found at a frequency of 4e-06 in 251334 control chromosomes. The available data on variant occurrences in the general population are insufficient to allow any conclusion about variant significance. c.802G>A has been reported in the literature in unspecified individuals affected with congenital hyperinsulinism (Snider_2012), without strong evidence for causality. These report(s) do not provide unequivocal conclusions about association of the variant with Congenital Hyperinsulinism. To our knowledge, no experimental evidence demonstrating an impact on protein function has been reported. The following publication has been ascertained in the context of this evaluation (PMID: 23275527). No submitters have cited clinical-significance assessments for this variant to ClinVar. Based on the evidence outlined above, the variant was classified as uncertain significance.

Literature cited by the submitters: PubMed 23275527.

NM_000352.6(ABCC8):c.802G>A (p.Glu268Lys)

Gene: ABCC8 (ATP binding cassette subfamily C member 8; minus strand). Cytogenetic location: 11p15.1.
Variant type: single nucleotide variant.
Coding change: c.802G>A on transcript NM_000352.6 (MANE Select); coding-DNA position 802, G replaced by A.
Protein change: p.Glu268Lys; replaces glutamic acid 268 with lysine.
Molecular consequence: missense variant. On other transcripts: non-coding transcript variant (1).
Genome position (GRCh38, 1-based): chr11:17,461,603, C>T on the plus strand (G>A on the coding strand, the complement: ABCC8 is on the minus strand). VCF-style: chr11-17461603-C-T. GRCh37 (hg19) VCF-style: chr11-17483150-C-T.
Other names: c.802G>A, p.Glu268Lys (NM_001287174.3, NM_001351295.2, NM_001351296.2 and 1 more transcripts); short protein forms E268K.
Identifiers: ClinVar variation 3338907 (VCV003338907.1).